The following is an entry in ClinVar:

ClinVar aggregate classification (germline): Uncertain significance (1 of 4 stars; one submission).

Conditions:
Intellectual developmental disorder, X-linked 1. Also called: Atkin Flaitz Patil Smith syndrome; Intellectual disability, X-linked 1; MENTAL RETARDATION, X-LINKED 18; MENTAL RETARDATION, X-LINKED 78. Identifiers: Orphanet 777, MedGen C2931498, MONDO:0010656, OMIM 309530.

Allele frequency attached by ClinVar (database versions not stated): gnomAD exomes below 0.00001; gnomAD 0.00001; TOPMed 0.00001.

Submission:

Labcorp Genetics (formerly Invitae), Labcorp
Classification: Uncertain significance for Intellectual developmental disorder, X-linked 1. Last evaluated: 2024-07-31. Review status: criteria provided, single submitter. Criteria: Invitae Variant Classification Sherloc (09022015). Collection method: clinical testing. Allele origin: germline.
Comment: This sequence change replaces arginine, which is basic and polar, with glutamine, which is neutral and polar, at codon 679 of the IQSEC2 protein (p.Arg679Gln). This variant is not present in population databases (gnomAD no frequency). This variant has not been reported in the literature in individuals affected with IQSEC2-related conditions. ClinVar contains an entry for this variant (Variation ID: 2199455). Advanced modeling of protein sequence and biophysical properties (such as structural, functional, and spatial information, amino acid conservation, physicochemical variation, residue mobility, and thermodynamic stability) performed at Invitae indicates that this missense variant is not expected to disrupt IQSEC2 protein function with a negative predictive value of 95%. In summary, the available evidence is currently insufficient to determine the role of this variant in disease. Therefore, it has been classified as a Variant of Uncertain Significance.

NM_001111125.3(IQSEC2):c.2036G>A (p.Arg679Gln)

Gene: IQSEC2 (IQ motif and Sec7 domain ArfGEF 2; minus strand). Cytogenetic location: Xp11.22.
Variant type: single nucleotide variant.
Coding change: c.2036G>A on transcript NM_001111125.3 (MANE Select); coding-DNA position 2036, G replaced by A.
Protein change: p.Arg679Gln; replaces arginine 679 with glutamine.
Molecular consequence: missense variant.
Genome position (GRCh38, 1-based): chrX:53,250,540, C>T on the plus strand (G>A on the coding strand, the complement: IQSEC2 is on the minus strand). VCF-style: chrX-53250540-C-T. GRCh37 (hg19) VCF-style: chrX-53279722-C-T.
Other names: c.2036G>A, p.Arg679Gln (NM_001410736.1); c.1421G>A, p.Arg474Gln (NM_015075.2); short protein forms R679Q, R474Q.
Identifiers: ClinVar variation 2199455 (VCV002199455.4), dbSNP rs1345618130, ClinGen allele CA413162579.
Genomic context (GRCh38, chrX:53,250,540, plus strand): 5'-AGGCTCTCGTTATCTCCACCATCAGAGTTCTCGCCTGCTGCCTCGCACTTCCCCAACCTC[C>T]GACCCCCAGCCACACCACTGGGCCCAGTGCCACTGTTGGGGGCTGGTGGCAGGGGCCCTG-3'
Protein context (NP_001104595.1, residues 669-689): GTGPSGVAGG[Arg679Gln]RLGKCEAAGE